The following is an entry in ClinVar:

NM_002016.2(FLG):c.1297_1298del (p.Asp433fs)

Genes: CCDST (cervical cancer associated DHX9 suppressive transcript; plus strand), FLG (filaggrin; minus strand). Cytogenetic location: 1q21.3.
Variant type: Deletion.
Coding change: c.1297_1298del on transcript NM_002016.2 (MANE Select); coding-DNA positions 1297 to 1298, 2 bases deleted (GA; older notation c.1297_1298delGA).
Protein change: p.Asp433fs; shifts the reading frame from aspartic acid 433.
Molecular consequence: frameshift variant. On other transcripts: non-coding transcript variant (1).
Genome position (GRCh38, 1-based): chr1:152,313,588-152,313,589, TC deleted on the plus strand (GA on the coding strand, the reverse complement: FLG is on the minus strand); deleting any 2 consecutive bases within chr1:152,313,588-152,313,590 gives the same sequence; the c. name uses the placement nearest the transcript's 3' end. VCF-style (leftmost placement, unchanged base first): chr1-152313587-GTC-G. GRCh37 (hg19) VCF-style: chr1-152286063-GTC-G.
Other names: p.(Asp433HisfsTer43); c.1297_1298delGA (NM_002016.1); short protein forms D433fs.
Identifiers: ClinVar variation 426826 (VCV000426826.9), dbSNP rs761877421, ClinGen allele CA1107702.

ClinVar aggregate classification (germline): Pathogenic. Review status: criteria provided, multiple submitters, no conflicts (2 of 4 stars). 2 submissions from 2 submitters: Pathogenic (2). Last evaluated 2026-05-02.

Conditions:
FLG-related disorder. Also called: FLG-related disorders; FLG-related condition.

Submissions (2):

PreventionGenetics, part of Exact Sciences
Classification: Pathogenic for FLG-related condition. Last evaluated: 2026-05-02. Review status: criteria provided, single submitter. Criteria: ACMG Guidelines, 2015. Collection method: clinical testing. Allele origin: germline.
Comment: The FLG c.1297_1298delGA variant is predicted to result in a frameshift and premature protein termination (p.Asp433Hisfs*43). This variant has been reported along with a second frameshift FLG variant in an individual with dermatitis, ichthyosiform xerosis and hyperlinear palms (Berger et al. 2023. PubMed ID: 37194472). This variant is reported in 0.0040% of alleles in individuals of African descent in gnomAD. Frameshift variants in FLG are expected to be pathogenic. This variant is interpreted as pathogenic.

GeneDx
Classification: Pathogenic. Last evaluated: 2025-07-22. Review status: criteria provided, single submitter. Criteria: GeneDx Variant Classification Process June 2021. Collection method: clinical testing. Allele origin: germline. Affected: yes.
Comment: Frameshift variant predicted to result in abnormal protein length as the last 3629 amino acids are replaced with 42 different amino acids, and other similar variants have been reported in HGMD; Not observed at significant frequency in large population cohorts (gnomAD); This variant is associated with the following publications: (PMID: 16444271, 37194472)